The following is an entry in ClinVar:

NM_001349798.2(FBXW7):c.370G>T (p.Asp124Tyr)

Gene: FBXW7 (F-box and WD repeat domain containing 7; minus strand). Cytogenetic location: 4q31.3.
Variant type: single nucleotide variant.
Coding change: c.370G>T on transcript NM_001349798.2 (MANE Select); coding-DNA position 370, G replaced by T.
Protein change: p.Asp124Tyr; replaces aspartic acid 124 with tyrosine.
Molecular consequence: missense variant.
Genome position (GRCh38, 1-based): chr4:152,411,434, C>A on the plus strand (G>T on the coding strand, the complement: FBXW7 is on the minus strand). VCF-style: chr4-152411434-C-A. GRCh37 (hg19) VCF-style: chr4-153332586-C-A.
Other names: c.370G>T, p.Asp124Tyr (NM_033632.3, NM_001257069.1); short protein forms D124Y.
Identifiers: ClinVar variation 3339074 (VCV003339074.1).

ClinVar aggregate classification (germline): Uncertain significance (1 of 4 stars; one submission).

Submission:

Women's Health and Genetics/Laboratory Corporation of America, LabCorp
Classification: Uncertain significance. Last evaluated: 2024-07-08. Review status: criteria provided, single submitter. Criteria: LabCorp Variant Classification Summary - May 2015. Collection method: clinical testing. Allele origin: germline.
Comment: Variant summary: FBXW7 c.370G>T (p.Asp124Tyr) results in a non-conservative amino acid change in the encoded protein sequence. Three of five in-silico tools predict a damaging effect of the variant on protein function. The variant was absent in 249896 control chromosomes (gnomAD). The available data on variant occurrences in the general population are insufficient to allow any conclusion about variant significance. To our knowledge, no occurrence of c.370G>T in individuals affected with Developmental Delay, Hypotonia, And Impaired Language has been reported. At least one publication reports experimental evidence evaluating an impact on protein function, demonstrating that the D124Y variant is localized in an isoform-specific 5'-exon, and affected an isoform-specific function of the protein, i.e. was shown to be defective in supporting Pin-1-mediated isomerization of cyclin E1, but was not defective in general ubiquitylation function (van Drogen_2006). These data however, do not allow convincing conclusions about the variant effect. The following publication have been ascertained in the context of this evaluation (PMID: 16818231). No submitters have cited clinical-significance assessments for this variant to ClinVar. Based on the evidence outlined above, the variant was classified as uncertain significance.

Literature cited by the submitters: PubMed 16818231.